The following is an entry in ClinVar:

NM_003924.4(PHOX2B):c.842C>A (p.Thr281Asn)

Gene: PHOX2B (paired like homeobox 2B; minus strand). Cytogenetic location: 4p13.
Variant type: single nucleotide variant.
Coding change: c.842C>A on transcript NM_003924.4 (MANE Select); coding-DNA position 842, C replaced by A.
Protein change: p.Thr281Asn; replaces threonine 281 with asparagine.
Molecular consequence: missense variant.
Genome position (GRCh38, 1-based): chr4:41,745,910, G>T on the plus strand (C>A on the coding strand, the complement: PHOX2B is on the minus strand). VCF-style: chr4-41745910-G-T. GRCh37 (hg19) VCF-style: chr4-41747927-G-T.
Other names: short protein forms T281N.
Identifiers: ClinVar variation 822408 (VCV000822408.5), dbSNP rs1577558782, ClinGen allele CA356737027.

ClinVar aggregate classification (germline): Uncertain significance (1 of 4 stars; one submission).

Conditions:
Hereditary cancer-predisposing syndrome. Also called: Tumor predisposition; Hereditary Cancer Syndrome; Neoplastic Syndromes, Hereditary; Hereditary neoplastic syndrome. Identifiers: Orphanet 140162, MedGen C0027672, MeSH D009386, MONDO:0015356.

Submission:

Ambry Genetics
Classification: Uncertain significance for Hereditary cancer-predisposing syndrome. Last evaluated: 2024-05-30. Review status: criteria provided, single submitter. Criteria: Ambry Variant Classification Scheme 2023. Collection method: clinical testing. Allele origin: germline.
Comment: The p.T281N variant (also known as c.842C>A), located in coding exon 3 of the PHOX2B gene, results from a C to A substitution at nucleotide position 842. The threonine at codon 281 is replaced by asparagine, an amino acid with similar properties. This amino acid position is highly conserved in available vertebrate species. In addition, this alteration is predicted to be tolerated by in silico analysis. Based on the available evidence, the clinical significance of this variant remains unclear.